The following is an entry in ClinVar:

ClinVar aggregate classification (germline): Benign. Review status: criteria provided, multiple submitters, no conflicts (2 of 4 stars). 2 submissions from 2 submitters: Benign (2). Last evaluated 2018-06-14.

Allele frequency attached by ClinVar (database versions not stated): 1000 Genomes Project 30x 0.81777; 1000 Genomes Project 0.86502; TOPMed 0.87585; gnomAD 0.91155 and 0.91302.

Submissions (2):

GeneDx
Classification: Benign. Last evaluated: 2018-06-14. Review status: criteria provided, single submitter. Criteria: GeneDx Variant Classification (06012015). Collection method: clinical testing. Allele origin: germline. Affected: yes.
Comment: This variant is considered likely benign or benign based on one or more of the following criteria: it is a conservative change, it occurs at a poorly conserved position in the protein, it is predicted to be benign by multiple in silico algorithms, and/or has population frequency not consistent with disease.

Breakthrough Genomics
Classification: Benign. Review status: criteria provided, single submitter. Criteria: ACMG Guidelines, 2015. Collection method: not provided. Allele origin: germline. Inheritance: Autosomal recessive inheritance. Affected: yes.

NM_001848.3(COL6A1):c.1776+164G>A

Gene: COL6A1 (collagen type VI alpha 1 chain; plus strand). Cytogenetic location: 21q22.3.
Variant type: single nucleotide variant.
Coding change: c.1776+164G>A on transcript NM_001848.3 (MANE Select); 164 bases into the intron after coding-DNA position 1776, G replaced by A.
Molecular consequence: intron variant.
Genome position (GRCh38, 1-based): chr21:45,999,856, G>A. VCF-style: chr21-45999856-G-A. GRCh37 (hg19) VCF-style: chr21-47419770-G-A.
Identifiers: ClinVar variation 679950 (VCV000679950.2), dbSNP rs73908116, ClinGen allele CA14888040.